The following is an entry in ClinVar:

ClinVar aggregate classification (germline): Uncertain significance (1 of 4 stars; one submission).

Conditions:
Amyotrophic lateral sclerosis type 1 (ALS1). Also called: AMYOTROPHIC LATERAL SCLEROSIS 1, FAMILIAL. Identifiers: Orphanet 803, MedGen C1862939, MONDO:0007103, OMIM 105400.
Neuronopathy, distal hereditary motor, type 7B. Also called: HMN VIIB; NEURONOPATHY, DISTAL HEREDITARY MOTOR, AUTOSOMAL DOMINANT 14; NEURONOPATHY, DISTAL HEREDITARY MOTOR, HARDING TYPE VIIB; NEUROPATHY, DISTAL HEREDITARY MOTOR, HARDING TYPE VIIB; NEUROPATHY, DISTAL HEREDITARY MOTOR, WITH VOCAL CORD PARALYSIS, HARDING TYPE VIIB; LOWER MOTOR NEURON DISEASE, DYNACTIN TYPE. Identifiers: Orphanet 139589, MedGen C1843315, MONDO:0011879, OMIM 607641.
Perry syndrome. Also called: PARKINSONISM WITH ALVEOLAR HYPOVENTILATION AND MENTAL DEPRESSION. Identifiers: Orphanet 178509, MedGen C1868594, MONDO:0008201, OMIM 168605.

Submission:

Labcorp Genetics (formerly Invitae), Labcorp
Classification: Uncertain significance for Amyotrophic lateral sclerosis type 1; Neuronopathy, distal hereditary motor, type 7B; Perry syndrome. Last evaluated: 2024-11-18. Review status: criteria provided, single submitter. Criteria: Invitae Variant Classification Sherloc (09022015). Collection method: clinical testing. Allele origin: germline.
Comment: This sequence change replaces leucine, which is neutral and non-polar, with valine, which is neutral and non-polar, at codon 1232 of the DCTN1 protein (p.Leu1232Val). This variant is not present in population databases (gnomAD no frequency). This variant has not been reported in the literature in individuals affected with DCTN1-related conditions. ClinVar contains an entry for this variant (Variation ID: 1974943). Invitae Evidence Modeling of protein sequence and biophysical properties (such as structural, functional, and spatial information, amino acid conservation, physicochemical variation, residue mobility, and thermodynamic stability) indicates that this missense variant is not expected to disrupt DCTN1 protein function with a negative predictive value of 95%. In summary, the available evidence is currently insufficient to determine the role of this variant in disease. Therefore, it has been classified as a Variant of Uncertain Significance.

NM_004082.5(DCTN1):c.3694C>G (p.Leu1232Val)

Gene: DCTN1 (dynactin subunit 1; minus strand). Cytogenetic location: 2p13.1.
Variant type: single nucleotide variant.
Coding change: c.3694C>G on transcript NM_004082.5 (MANE Select); coding-DNA position 3694, C replaced by G.
Protein change: p.Leu1232Val; replaces leucine 1232 with valine.
Molecular consequence: missense variant. On other transcripts: non-coding transcript variant (1).
Genome position (GRCh38, 1-based): chr2:74,362,057, G>C on the plus strand (C>G on the coding strand, the complement: DCTN1 is on the minus strand). VCF-style: chr2-74362057-G-C. GRCh37 (hg19) VCF-style: chr2-74589184-G-C.
Other names: c.3292C>G, p.Leu1098Val (NM_023019.4); c.3619C>G, p.Leu1207Val (NM_001135040.3); c.3277C>G, p.Leu1093Val (NM_001135041.3); c.3568C>G, p.Leu1190Val (NM_001190836.2); c.3673C>G, p.Leu1225Val (NM_001190837.2); c.3643C>G, p.Leu1215Val (NM_001378991.1); c.3625C>G, p.Leu1209Val (NM_001378992.1); short protein forms L1225V, L1207V, L1215V, L1232V, L1190V, L1093V, L1098V, L1209V.
Identifiers: ClinVar variation 1974943 (VCV001974943.5), dbSNP rs2529071657, ClinGen allele CA347334710.